The following is an entry in ClinVar:

NM_020987.5(ANK3):c.12143C>T (p.Ser4048Leu)

Gene: ANK3 (ankyrin 3; minus strand). Cytogenetic location: 10q21.2.
Variant type: single nucleotide variant.
Coding change: c.12143C>T on transcript NM_020987.5 (MANE Select); coding-DNA position 12143, C replaced by T.
Protein change: p.Ser4048Leu; replaces serine 4048 with leucine.
Molecular consequence: missense variant. On other transcripts: intron variant (4).
Genome position (GRCh38, 1-based): chr10:60,068,738, G>A on the plus strand (C>T on the coding strand, the complement: ANK3 is on the minus strand). VCF-style: chr10-60068738-G-A. GRCh37 (hg19) VCF-style: chr10-61828496-G-A.
Other names: c.4388-729C>T (NM_001204403.2); c.4409-729C>T (NM_001204404.2); c.4406-729C>T (NM_001320874.2); c.1808-729C>T (NM_001149.4); c.12143C>T (NM_020987.3); short protein forms S4048L.
Identifiers: ClinVar variation 1400074 (VCV001400074.10), dbSNP rs374134328, ClinGen allele CA5510962.

ClinVar aggregate classification (germline): Uncertain significance. Review status: criteria provided, multiple submitters, no conflicts (2 of 4 stars). 3 submissions from 3 submitters: Uncertain significance (3). Last evaluated 2025-04-25.

Conditions:
Inborn genetic diseases. Identifiers: MedGen C0950123, MeSH D030342.
Intellectual developmental disorder, autosomal recessive 37. Also called: Intellectual disability-hypotonia-spasticity-sleep disorder syndrome. Identifiers: Orphanet 356996, MedGen C3809672, MONDO:0014210, OMIM 615493.

Allele frequency attached by ClinVar (database versions not stated): ExAC 0.00004; gnomAD 0.00007; TOPMed 0.00006; gnomAD exomes 0.00008 and 0.00006; ESP Exome Variant Server 0.00015.
gnomAD v4.1: 125 of 1,613,958 alleles (0.0077%); highest among the groups gnomAD compares: Admixed American, 0.013%; no homozygotes.

Submissions (3):

Labcorp Genetics (formerly Invitae), Labcorp
Classification: Uncertain significance. Last evaluated: 2025-04-25. Review status: criteria provided, single submitter. Criteria: Invitae Variant Classification Sherloc (09022015). Collection method: clinical testing. Allele origin: germline.
Comment: This sequence change replaces serine, which is neutral and polar, with leucine, which is neutral and non-polar, at codon 4048 of the ANK3 protein (p.Ser4048Leu). This variant is present in population databases (rs374134328, gnomAD 0.02%). This variant has not been reported in the literature in individuals affected with ANK3-related conditions. ClinVar contains an entry for this variant (Variation ID: 1400074). An algorithm developed to predict the effect of missense changes on protein structure and function (PolyPhen-2) suggests that this variant is likely to be tolerated. In summary, the available evidence is currently insufficient to determine the role of this variant in disease. Therefore, it has been classified as a Variant of Uncertain Significance.

Fulgent Genetics
Classification: Uncertain significance for Intellectual developmental disorder, autosomal recessive 37. Last evaluated: 2022-04-01. Review status: criteria provided, single submitter. Criteria: ACMG Guidelines, 2015. Collection method: clinical testing. Allele origin: unknown.

Ambry Genetics
Classification: Uncertain significance for Inborn genetic diseases. Last evaluated: 2021-11-09. Review status: criteria provided, single submitter. Criteria: Ambry Variant Classification Scheme 2023. Collection method: clinical testing. Allele origin: germline.